The following is an entry in ClinVar:

NM_002047.4(GARS1):c.658+14T>C

Gene: GARS1 (glycyl-tRNA synthetase 1; plus strand). Cytogenetic location: 7p14.3.
Variant type: single nucleotide variant.
Coding change: c.658+14T>C on transcript NM_002047.4 (MANE Select); 14 bases into the intron after coding-DNA position 658, T replaced by C.
Molecular consequence: intron variant.
Genome position (GRCh38, 1-based): chr7:30,603,136, T>C. VCF-style: chr7-30603136-T-C. GRCh37 (hg19) VCF-style: chr7-30642752-T-C.
Other names: c.496+14T>C (NM_001316772.1); c.658+14T>C (LRG_243t1).
Identifiers: ClinVar variation 514252 (VCV000514252.1), dbSNP rs1210407173, ClinGen allele CA573459034.

ClinVar aggregate classification (germline): Likely benign (1 of 4 stars; one submission).

Allele frequency attached by ClinVar (database versions not stated): gnomAD exomes below 0.00001.
gnomAD v4.1: 3 of 1,588,926 alleles (0.00019%); highest among the groups gnomAD compares: Admixed American, 0.005%; no homozygotes.

Submission:

GeneDx
Classification: Likely benign. Last evaluated: 2017-12-27. Review status: criteria provided, single submitter. Criteria: GeneDx Variant Classification (06012015). Collection method: clinical testing. Allele origin: germline. Affected: yes.
Comment: This variant is considered likely benign or benign based on one or more of the following criteria: it is a conservative change, it occurs at a poorly conserved position in the protein, it is predicted to be benign by multiple in silico algorithms, and/or has population frequency not consistent with disease.